The following is an entry in ClinVar:

NM_198578.4(LRRK2):c.1643C>A (p.Ala548Glu)

Gene: LRRK2 (leucine rich repeat kinase 2; plus strand). Cytogenetic location: 12q12.
Variant type: single nucleotide variant.
Coding change: c.1643C>A on transcript NM_198578.4 (MANE Select); coding-DNA position 1643, C replaced by A.
Protein change: p.Ala548Glu; replaces alanine 548 with glutamic acid.
Molecular consequence: missense variant.
Genome position (GRCh38, 1-based): chr12:40,263,888, C>A. VCF-style: chr12-40263888-C-A. GRCh37 (hg19) VCF-style: chr12-40657690-C-A.
Other names: short protein forms A548E.
Identifiers: ClinVar variation 2624897 (VCV002624897.2), dbSNP rs932962399, ClinGen allele CA235319365.

ClinVar aggregate classification (germline): Uncertain significance (1 of 4 stars; one submission).

Conditions:
Inborn genetic diseases. Identifiers: MedGen C0950123, MeSH D030342.

Submission:

Ambry Genetics
Classification: Uncertain significance for Inborn genetic diseases. Last evaluated: 2023-08-29. Review status: criteria provided, single submitter. Criteria: Ambry Variant Classification Scheme 2023. Collection method: clinical testing. Allele origin: germline.
Comment: The p.A548E variant (also known as c.1643C>A), located in coding exon 14 of the LRRK2 gene, results from a C to A substitution at nucleotide position 1643. The alanine at codon 548 is replaced by glutamic acid, an amino acid with dissimilar properties. This amino acid position is conserved. In addition, this alteration is predicted to be tolerated by in silico analysis. Since supporting evidence is limited at this time, the clinical significance of this alteration remains unclear.